The following is an entry in ClinVar:

ClinVar aggregate classification (germline): Conflicting classifications of pathogenicity. Review status: criteria provided, conflicting classifications (1 of 4 stars). 2 submissions from 2 submitters: Uncertain significance (1); Likely benign (1). Last evaluated 2025-06-18.

Conditions:
Hypercholesterolemia, autosomal dominant, type B (FHCL2). Also called: APOB-Related Familial Hypercholesterolemia, Autosomal Dominant; Familial Hypercholesterolemia Type B; APOLIPOPROTEIN B-100, FAMILIAL DEFECTIVE; APOLIPOPROTEIN B-100, FAMILIAL LIGAND-DEFECTIVE; HYPERCHOLESTEROLEMIA, FAMILIAL, DUE TO LIGAND-DEFECTIVE APOLIPOPROTEIN B; Hyperlipoproteinemia Type IIb. Identifiers: MedGen C1704417, MONDO:0007751, OMIM 144010.
Familial hypobetalipoproteinemia 1. Also called: Hypobetalipoproteinemia, normotriglyceridemic; Acanthocytosis with hypobetalipoproteinemia; APOB-Related Familial Hypobetalipoproteinemia. Identifiers: MedGen C4551990, MONDO:0014252, OMIM 615558.

Allele frequency attached by ClinVar (database versions not stated): gnomAD exomes below 0.00001; ExAC 0.00001.
gnomAD v4.1: 1 of 1,613,994 alleles (0.000062%); highest among the groups gnomAD compares: East Asian, 0.0022%; no homozygotes.

Submissions (2):

GeneDx
Classification: Uncertain significance. Last evaluated: 2025-06-18. Review status: criteria provided, single submitter. Criteria: GeneDx Variant Classification Process June 2021. Collection method: clinical testing. Allele origin: germline. Affected: yes.
Comment: Not observed at significant frequency in large population cohorts (gnomAD); In silico analysis supports that this missense variant has a deleterious effect on protein structure/function; Has not been previously published as pathogenic or benign to our knowledge; Also known as aka p.(V3682E)

Labcorp Genetics (formerly Invitae), Labcorp
Classification: Likely benign for Familial hypobetalipoproteinemia 1; Hypercholesterolemia, autosomal dominant, type B. Last evaluated: 2022-11-27. Review status: criteria provided, single submitter. Criteria: Invitae Variant Classification Sherloc (09022015). Collection method: clinical testing. Allele origin: germline.

NM_000384.3(APOB):c.11126T>A (p.Val3709Glu)

Gene: APOB (apolipoprotein B; minus strand). Cytogenetic location: 2p24.1.
Variant type: single nucleotide variant.
Coding change: c.11126T>A on transcript NM_000384.3 (MANE Select); coding-DNA position 11126, T replaced by A.
Protein change: p.Val3709Glu; replaces valine 3709 with glutamic acid.
Molecular consequence: missense variant.
Genome position (GRCh38, 1-based): chr2:21,005,742, A>T on the plus strand (T>A on the coding strand, the complement: APOB is on the minus strand). VCF-style: chr2-21005742-A-T. GRCh37 (hg19) VCF-style: chr2-21228614-A-T.
Other names: short protein forms V3709E.
Identifiers: ClinVar variation 2928109 (VCV002928109.4), dbSNP rs746602151, ClinGen allele CA045601.